The following is an entry in ClinVar:

ClinVar aggregate classification (germline): Likely benign (0 of 4 stars; one submission).

Conditions:
GLS-related disorder. Also called: GLS-related condition.

Submission:

PreventionGenetics, part of Exact Sciences
Classification: Likely benign for GLS-related condition. Last evaluated: 2021-11-01. Review status: no assertion criteria provided. Collection method: clinical testing. Allele origin: germline.
Comment: This variant is classified as likely benign based on ACMG/AMP sequence variant interpretation guidelines (Richards et al. 2015 PMID: 25741868, with internal and published modifications).

NM_014905.5(GLS):c.-212GCA[23]

Genes: GLS (glutaminase; plus strand), LOC129935268 (ATAC-STARR-seq lymphoblastoid silent region 12186; plus strand). Cytogenetic location: 2q32.2.
Variant type: Microsatellite.
Coding change: c.-212GCA[23] on transcript NM_014905.5 (MANE Select); 23 copies in a row of the 3-base unit GCA starting at c.-212; the reference has 16 copies in a row; seven copies, 21 bases duplicated.
Molecular consequence: 5 prime UTR variant.
Genome position (GRCh38, 1-based): chr2:190,880,900-190,880,920, GCAGCAGCAGCAGCAGCAGCA duplicated; duplicating any 21 consecutive bases within chr2:190,880,873-190,880,920 gives the same sequence; the position shown is the placement nearest the transcript's 3' end. VCF-style (leftmost placement, unchanged base first): chr2-190880872-C-CGCAGCAGCAGCAGCAGCAGCA. GRCh37 (hg19) VCF-style: chr2-191745598-C-CGCAGCAGCAGCAGCAGCAGCA.
Other names: c.-212GCA[23] (NM_001256310.2).
Identifiers: ClinVar variation 3054034 (VCV003054034.2), dbSNP rs57674096, ClinGen allele CA762383400.